The following is an entry in ClinVar:

ClinVar aggregate classification (germline): Likely benign (1 of 4 stars; one submission).

Allele frequency attached by ClinVar (database versions not stated): gnomAD exomes 0.00003; ExAC 0.00006; TOPMed 0.00006; gnomAD 0.00008.

Submission:

CeGaT Center for Human Genetics Tuebingen
Classification: Likely benign. Last evaluated: 2022-04-01. Review status: criteria provided, single submitter. Criteria: CeGaT Center For Human Genetics Tuebingen Variant Classification Criteria Version 2. Collection method: clinical testing. Allele origin: germline. Affected: yes. Observed: 1 variant allele.
Comment: TSC22D2: BP4, BP7

NM_001303264.2(TSC22D2):c.366G>A (p.Ala122=)

Genes: TSC22D2 (TSC22 domain family member 2; plus strand), LOC129937752 (ATAC-STARR-seq lymphoblastoid silent region 14815; plus strand). Cytogenetic location: 3q25.1.
Variant type: single nucleotide variant.
Coding change: c.366G>A on transcript NM_001303264.2 (MANE Select); coding-DNA position 366, G replaced by A.
Protein change: p.Ala122=; no amino-acid change (alanine 122 retained).
Molecular consequence: synonymous variant. On other transcripts: non-coding transcript variant (1).
Genome position (GRCh38, 1-based): chr3:150,409,716, G>A. VCF-style: chr3-150409716-G-A. GRCh37 (hg19) VCF-style: chr3-150127503-G-A.
Other names: c.366G>A, p.Ala122= (NM_014779.4).
Identifiers: ClinVar variation 2654227 (VCV002654227.24), dbSNP rs760761149, ClinGen allele CA2663759.